The following is an entry in ClinVar:

ClinVar aggregate classification (germline): Uncertain significance (1 of 4 stars; one submission).

Conditions:
Myopathy, proximal, and ophthalmoplegia (CMYO6). Also called: INCLUSION BODY MYOPATHY 3, AUTOSOMAL DOMINANT; MYOPATHY WITH CONGENITAL JOINT CONTRACTURES, OPHTHALMOPLEGIA, AND RIMMED VACUOLES; CONGENITAL MYOPATHY 6 WITH OPHTHALMOPLEGIA. Identifiers: Orphanet 363677, Orphanet 79091, MedGen C1854106, MONDO:0011577, OMIM 605637.

Submission:

Labcorp Genetics (formerly Invitae), Labcorp
Classification: Uncertain significance for Myopathy, proximal, and ophthalmoplegia. Last evaluated: 2020-05-03. Review status: criteria provided, single submitter. Criteria: Invitae Variant Classification Sherloc (09022015). Collection method: clinical testing. Allele origin: germline.
Comment: This sequence change replaces histidine with glutamine at codon 254 of the MYH2 protein (p.His254Gln). The histidine residue is highly conserved and there is a small physicochemical difference between histidine and glutamine. In summary, the available evidence is currently insufficient to determine the role of this variant in disease. Therefore, it has been classified as a Variant of Uncertain Significance. Algorithms developed to predict the effect of missense changes on protein structure and function are either unavailable or do not agree on the potential impact of this missense change (SIFT: "Deleterious"; PolyPhen-2: "Probably Damaging"; Align-GVGD: "Class C15"). This variant has not been reported in the literature in individuals with MYH2-related conditions. This variant is not present in population databases (ExAC no frequency).

NM_017534.6(MYH2):c.762C>A (p.His254Gln)

Genes: MYHAS (myosin heavy chain gene cluster antisense RNA; plus strand), MYH2 (myosin heavy chain 2; minus strand), LOC126862501 (CDK7 strongly-dependent group 2 enhancer GRCh37_chr17:10446256-10447455; plus strand). Cytogenetic location: 17p13.1.
Variant type: single nucleotide variant.
Coding change: c.762C>A on transcript NM_017534.6 (MANE Select); coding-DNA position 762, C replaced by A.
Protein change: p.His254Gln; replaces histidine 254 with glutamine.
Molecular consequence: missense variant.
Genome position (GRCh38, 1-based): chr17:10,543,141, G>T on the plus strand (C>A on the coding strand, the complement: MYH2 is on the minus strand). VCF-style: chr17-10543141-G-T. GRCh37 (hg19) VCF-style: chr17-10446458-G-T.
Other names: c.762C>A, p.His254Gln (NM_001100112.2); short protein forms H254Q.
Identifiers: ClinVar variation 1021903 (VCV001021903.5), dbSNP rs2073579202, ClinGen allele CA398167340.